The following is an entry in ClinVar:

NM_001356.5(DDX3X):c.1849C>T (p.Arg617Cys)

Gene: DDX3X (DEAD-box helicase 3 X-linked; plus strand). Cytogenetic location: Xp11.4.
Variant type: single nucleotide variant.
Coding change: c.1849C>T on transcript NM_001356.5 (MANE Select); coding-DNA position 1849, C replaced by T.
Protein change: p.Arg617Cys; replaces arginine 617 with cysteine.
Molecular consequence: missense variant. On other transcripts: non-coding transcript variant (1).
Genome position (GRCh38, 1-based): chrX:41,347,391, C>T. VCF-style: chrX-41347391-C-T. GRCh37 (hg19) VCF-style: chrX-41206644-C-T.
Other names: c.1846C>T, p.Arg616Cys (NM_001193416.3); c.1801C>T, p.Arg601Cys (NM_001193417.3); c.1288C>T, p.Arg430Cys (NM_001363819.1); short protein forms R430C, R601C, R616C, R617C.
Identifiers: ClinVar variation 4882316 (VCV004882316.2).

ClinVar aggregate classification (germline): Uncertain significance (1 of 4 stars; one submission).

Submission:

Dasa
Classification: Uncertain significance. Last evaluated: 2025-09-25. Review status: criteria provided, single submitter. Criteria: DASA Assertion Criteria. Collection method: clinical testing. Allele origin: germline.
Comment: NM_001356.5(DDX3X):c.1849C>T (p.Arg617Cys) is a missense variant that results in the substitution of arginine with cysteine. This variant is absent from population databases. The currently available literature and clinical evidence are not sufficient to establish a definitive association between this variant and the reported condition. Therefore, this variant is classified as a variant of uncertain significance.